The following is an entry in ClinVar:

ClinVar aggregate classification (germline): Uncertain significance (1 of 4 stars; one submission).

Allele frequency attached by ClinVar (database versions not stated): ExAC 0.00001; gnomAD exomes below 0.00001.
gnomAD v4.1: 8 of 1,612,980 alleles (0.0005%); highest among the groups gnomAD compares: South Asian, 0.0011%; no homozygotes.

Submission:

Labcorp Genetics (formerly Invitae), Labcorp
Classification: Uncertain significance. Last evaluated: 2024-02-17. Review status: criteria provided, single submitter. Criteria: Invitae Variant Classification Sherloc (09022015). Collection method: clinical testing. Allele origin: germline.
Comment: This sequence change replaces asparagine, which is neutral and polar, with serine, which is neutral and polar, at codon 330 of the MYO3A protein (p.Asn330Ser). This variant is present in population databases (rs777804932, gnomAD 0.0009%). This variant has not been reported in the literature in individuals affected with MYO3A-related conditions. ClinVar contains an entry for this variant (Variation ID: 1497928). Advanced modeling of protein sequence and biophysical properties (such as structural, functional, and spatial information, amino acid conservation, physicochemical variation, residue mobility, and thermodynamic stability) performed at Invitae indicates that this missense variant is not expected to disrupt MYO3A protein function with a negative predictive value of 80%. In summary, the available evidence is currently insufficient to determine the role of this variant in disease. Therefore, it has been classified as a Variant of Uncertain Significance.

NM_017433.5(MYO3A):c.989A>G (p.Asn330Ser)

Gene: MYO3A (myosin IIIA; plus strand). Cytogenetic location: 10p12.1.
Variant type: single nucleotide variant.
Coding change: c.989A>G on transcript NM_017433.5 (MANE Select); coding-DNA position 989, A replaced by G.
Protein change: p.Asn330Ser; replaces asparagine 330 with serine.
Molecular consequence: missense variant.
Genome position (GRCh38, 1-based): chr10:26,067,010, A>G. VCF-style: chr10-26067010-A-G. GRCh37 (hg19) VCF-style: chr10-26355939-A-G.
Other names: short protein forms N330S.
Identifiers: ClinVar variation 1497928 (VCV001497928.6), dbSNP rs777804932, ClinGen allele CA5444520.